The following is an entry in ClinVar:

ClinVar aggregate classification (germline): Likely benign. Review status: criteria provided, multiple submitters, no conflicts (2 of 4 stars). 3 submissions from 3 submitters: Likely benign (3). Last evaluated 2023-12-02.

Conditions:
Epidermolysis bullosa simplex 5B, with muscular dystrophy (EBS5B). Also called: EPIDERMOLYSIS BULLOSA SIMPLEX AND LIMB-GIRDLE MUSCULAR DYSTROPHY; Epidermolysis bullosa simplex with muscular dystrophy. Identifiers: Orphanet 257, MedGen C2931072, MONDO:0009181, OMIM 226670.
Epidermolysis bullosa simplex, Ogna type (EBS5A). Also called: Pidermolysis bullosa simplex 5A, Ogna type; EPIDERMOLYSIS BULLOSA SIMPLEX 5A, OGNA TYPE. Identifiers: Orphanet 79401, MedGen C0432317, MONDO:0007555, OMIM 131950.
Epidermolysis bullosa simplex 5C, with pyloric atresia (EBS5C). Also called: PLEC1-Related Epidermolysis Bullosa with Pyloric Atresia; PLEC-Related Epidermolysis Bullosa with Pyloric Atresia; Epidermolysis bullosa simplex with pyloric atresia. Identifiers: Orphanet 158684, MedGen C2677349, MONDO:0012807, OMIM 612138.
Epidermolysis bullosa simplex with nail dystrophy (EBS5D). Identifiers: MedGen C4225309, MONDO:0014661, OMIM 616487.
Autosomal recessive limb-girdle muscular dystrophy type 2Q (LGMDR17). Also called: MUSCULAR DYSTROPHY, LIMB-GIRDLE, AUTOSOMAL RECESSIVE 17. Identifiers: Orphanet 254361, MedGen C3150989, MONDO:0013390, OMIM 613723.

Allele frequency attached by ClinVar (database versions not stated): gnomAD 0.00001; gnomAD exomes 0.00001 and 0.00002; ExAC 0.00002; TOPMed 0.00002.
gnomAD v4.1: 28 of 1,612,738 alleles (0.0017%); highest among the groups gnomAD compares: Non-Finnish European, 0.0023%; no homozygotes.

Submissions (3):

Labcorp Genetics (formerly Invitae), Labcorp
Classification: Likely benign for Autosomal recessive limb-girdle muscular dystrophy type 2Q; Epidermolysis bullosa simplex, Ogna type; Epidermolysis bullosa simplex with nail dystrophy; Epidermolysis bullosa simplex 5C, with pyloric atresia; Epidermolysis bullosa simplex 5B, with muscular dystrophy. Last evaluated: 2023-12-02. Review status: criteria provided, single submitter. Criteria: Invitae Variant Classification Sherloc (09022015). Collection method: clinical testing. Allele origin: germline.

CeGaT Center for Human Genetics Tuebingen
Classification: Likely benign. Last evaluated: 2023-07-01. Review status: criteria provided, single submitter. Criteria: CeGaT Center For Human Genetics Tuebingen Variant Classification Criteria Version 2. Collection method: clinical testing. Allele origin: germline. Affected: yes. Observed: 1 variant allele.
Comment: PLEC: BP4, BP7

Blueprint Genetics
Classification: Likely benign. Last evaluated: 2020-06-23. Review status: criteria provided, single submitter. Criteria: ACMG Guidelines, 2015. Collection method: clinical testing. Allele origin: germline.

NM_201384.3(PLEC):c.9690C>T (p.Ala3230=)

Gene: PLEC (plectin; minus strand). Cytogenetic location: 8q24.3.
Variant type: single nucleotide variant.
Coding change: c.9690C>T on transcript NM_201384.3 (MANE Select); coding-DNA position 9690, C replaced by T.
Protein change: p.Ala3230=; no amino-acid change (alanine 3230 retained).
Molecular consequence: synonymous variant.
Genome position (GRCh38, 1-based): chr8:143,920,131, G>A on the plus strand (C>T on the coding strand, the complement: PLEC is on the minus strand). VCF-style: chr8-143920131-G-A. GRCh37 (hg19) VCF-style: chr8-144994299-G-A.
Other names: c.9771C>T, p.Ala3257= (NM_000445.5); c.9648C>T, p.Ala3216= (NM_201378.4); c.9624C>T, p.Ala3208= (NM_201379.3); c.10101C>T, p.Ala3367= (NM_201380.4); c.9594C>T, p.Ala3198= (NM_201381.3); c.9690C>T, p.Ala3230= (NM_201382.4); c.9702C>T, p.Ala3234= (NM_201383.3).
Identifiers: ClinVar variation 539041 (VCV000539041.34), dbSNP rs782488286, ClinGen allele CA4924888.